The following is an entry in ClinVar:

ClinVar aggregate classification (germline): Conflicting classifications of pathogenicity. Review status: criteria provided, conflicting classifications (1 of 4 stars). 4 submissions from 4 submitters: Uncertain significance (1); Benign (1); Likely benign (1). 1 of the submissions does not count toward it. Last evaluated 2026-08-01.

Conditions:
L1CAM-related disorder. Also called: L1CAM-related condition.
History of neurodevelopmental disorder. Identifiers: MedGen C2711754.
Spastic paraplegia. Identifiers: MedGen C0037772, HP:0001258.

Allele frequency attached by ClinVar (database versions not stated): gnomAD 0.00004; gnomAD exomes 0.00005; TOPMed 0.00022; ExAC 0.00024.
gnomAD v4.1: 55 of 1,206,417 alleles (0.0046%); highest among the groups gnomAD compares: Admixed American, 0.09%; no homozygotes.

Submissions (4):

CeGaT Center for Human Genetics Tuebingen
Classification: Likely benign. Last evaluated: 2026-08-01. Review status: criteria provided, single submitter. Criteria: CeGaT Center For Human Genetics Tuebingen Variant Classification Criteria Version 2. Collection method: clinical testing. Allele origin: germline. Affected: yes. Observed: 1 variant allele.
Comment: L1CAM: BP4, BS2

Labcorp Genetics (formerly Invitae), Labcorp
Classification: Benign for Spastic paraplegia. Last evaluated: 2026-01-06. Review status: criteria provided, single submitter. Criteria: Invitae Variant Classification Sherloc (09022015). Collection method: clinical testing. Allele origin: germline.

Ambry Genetics
Classification: Uncertain significance for History of neurodevelopmental disorder. Last evaluated: 2016-09-16. Review status: criteria provided, single submitter. Criteria: Ambry Autosomal Dominant and X-Linked criteria (10/2015). Collection method: clinical testing. Allele origin: germline. Observed: 1 variant allele.
Comment: The p.R113H variant (also known as c.338G>A), located in coding exon 4 of the L1CAM gene, results from a G to A substitution at nucleotide position 338. The arginine at codon 113 is replaced by histidine, an amino acid with highly similar properties. This variant co-segregated with disease in one family tested in our laboratory. This variant was not reported in population based cohorts in the following databases: Database of Single Nucleotide Polymorphisms (dbSNP), NHLBI Exome Sequencing Project (ESP), and 1000 Genomes Project. In the ESP, this variant was not observed in 6503 samples with coverage at this position. This amino acid position is not well conserved in available vertebrate species. In addition, this alteration is predicted to be tolerated by in silico analysis. Since supporting evidence is limited at this time, the clinical significance of this variant remains unclear.

PreventionGenetics, part of Exact Sciences
Classification: Likely benign for L1CAM-related condition. Last evaluated: 2023-04-18. Review status: no assertion criteria provided. Collection method: clinical testing. Allele origin: germline. Not counted in ClinVar's aggregate classification.
Comment: This variant is classified as likely benign based on ACMG/AMP sequence variant interpretation guidelines (Richards et al. 2015 PMID: 25741868, with internal and published modifications).

NM_001278116.2(L1CAM):c.338G>A (p.Arg113His)

Gene: L1CAM (L1 cell adhesion molecule; minus strand). Cytogenetic location: Xq28.
Variant type: single nucleotide variant.
Coding change: c.338G>A on transcript NM_001278116.2 (MANE Select); coding-DNA position 338, G replaced by A.
Protein change: p.Arg113His; replaces arginine 113 with histidine.
Molecular consequence: missense variant.
Genome position (GRCh38, 1-based): chrX:153,872,214, C>T on the plus strand (G>A on the coding strand, the complement: L1CAM is on the minus strand). VCF-style: chrX-153872214-C-T. GRCh37 (hg19) VCF-style: chrX-153137669-C-T.
Other names: c.338G>A, p.Arg113His (NM_000425.5, NM_024003.3); c.323G>A, p.Arg108His (NM_001143963.2); short protein forms R113H, R108H.
Identifiers: ClinVar variation 458213 (VCV000458213.14), dbSNP rs781908326, ClinGen allele CA10554614.